The following is an entry in ClinVar:

NM_001267550.2(TTN):c.45082+6A>G

Genes: TTN (titin; minus strand), LOC126806427 (BRD4-independent group 4 enhancer GRCh37_chr2:179485777-179486976; plus strand). Cytogenetic location: 2q31.2.
Variant type: single nucleotide variant.
Coding change: c.45082+6A>G on transcript NM_001267550.2 (MANE Select); 6 bases into the intron after coding-DNA position 45082, A replaced by G.
Molecular consequence: intron variant.
Genome position (GRCh38, 1-based): chr2:178,621,834, T>C on the plus strand (A>G on the coding strand, the complement: TTN is on the minus strand). VCF-style: chr2-178621834-T-C. GRCh37 (hg19) VCF-style: chr2-179486561-T-C.
Other names: c.17887+6A>G (NM_003319.4); c.18463+6A>G (NM_133437.4); c.18262+6A>G (NM_133432.3); c.37378+6A>G (NM_133378.4); c.40159+6A>G (NM_001256850.1).
Identifiers: ClinVar variation 229436 (VCV000229436.5), dbSNP rs876658061, ClinGen allele CA10576527.
Genomic context (GRCh38, chr2:178,621,834, plus strand): 5'-AGTTAAGCTGGAAATTATTATTTTTTCCCAACACATATACTTCACAAAGAATGACTTTAC[T>C]CTTACCCAGAACTGTCAGCATGCCAGAAGTTCTCGCTGTCCTTACTTCACAGGAATATTC-3'

ClinVar aggregate classification (germline): Uncertain significance (1 of 4 stars; one submission).

Allele frequency attached by ClinVar (database versions not stated): TOPMed 0.00001.

Submission:

Laboratory for Molecular Medicine, Mass General Brigham Personalized Medicine
Classification: Uncertain significance. Last evaluated: 2015-09-09. Review status: criteria provided, single submitter. Criteria: LMM Criteria. Collection method: clinical testing. Allele origin: germline. Observed: 1 variant allele.
Comment: The c.37378+6A>G variant in TTN has not been previously reported in individuals with cardiomyopathy or in the large population studies. This variant is located in the 5' splice region. Computational tools do not suggest an impact to the can onical splice site. However, this information is not predictive enough to rule o ut pathogenicity. In summary, the clinical significance of the c.37378+6A>G vari ant is uncertain.